The following is an entry in ClinVar:

ClinVar aggregate classification (germline): Conflicting classifications of pathogenicity. Review status: criteria provided, conflicting classifications (1 of 4 stars). 3 submissions from 3 submitters: Uncertain significance (2); Likely benign (1). Last evaluated 2026-02-09.

Conditions:
Primary familial hypertrophic cardiomyopathy (HCM). Identifiers: Orphanet 99739, MedGen C0949658, MeSH D024741, MONDO:0024573. Inheritance: Various modes of inheritance.
Dilated cardiomyopathy 1AA (CMD1AA). Also called: Cardiomyopathy, dilated, 1AA, with or without LVNC; CARDIOMYOPATHY, DILATED, 1AA, WITH OR WITHOUT LEFT VENTRICULAR NONCOMPACTION; CARDIOMYOPATHY, FAMILIAL HYPERTROPHIC, 23, WITH OR WITHOUT LEFT VENTRICULAR NONCOMPACTION. Identifiers: Orphanet 154, MedGen C2677338, MONDO:0012808, OMIM 612158.

Allele frequency attached by ClinVar (database versions not stated): gnomAD exomes below 0.00001; TOPMed 0.00002.
gnomAD v4.1: 2 of 1,614,050 alleles (0.00012%); highest among the groups gnomAD compares: Admixed American, 0.0017%; no homozygotes.

Submissions (3):

GeneDx
Classification: Uncertain significance. Last evaluated: 2026-02-09. Review status: criteria provided, single submitter. Criteria: GeneDx Variant Classification Process June 2021. Collection method: clinical testing. Allele origin: germline.
Comment: Not observed at significant frequency in large population cohorts (gnomAD); In silico analysis supports that this missense variant has a deleterious effect on protein structure/function; Has not been previously published as pathogenic or benign to our knowledge

Labcorp Genetics (formerly Invitae), Labcorp
Classification: Likely benign for Primary familial hypertrophic cardiomyopathy; Dilated cardiomyopathy 1AA. Last evaluated: 2025-06-15. Review status: criteria provided, single submitter. Criteria: Invitae Variant Classification Sherloc (09022015). Collection method: clinical testing. Allele origin: germline.

Women's Health and Genetics/Laboratory Corporation of America, LabCorp
Classification: Uncertain significance. Last evaluated: 2023-08-19. Review status: criteria provided, single submitter. Criteria: LabCorp Variant Classification Summary - May 2015. Collection method: clinical testing. Allele origin: germline.

NM_001103.4(ACTN2):c.1098G>C (p.Lys366Asn)

Gene: ACTN2 (actinin alpha 2; plus strand). Cytogenetic location: 1q43.
Variant type: single nucleotide variant.
Coding change: c.1098G>C on transcript NM_001103.4 (MANE Select); coding-DNA position 1098, G replaced by C.
Protein change: p.Lys366Asn; replaces lysine 366 with asparagine.
Molecular consequence: missense variant.
Genome position (GRCh38, 1-based): chr1:236,739,523, G>C. VCF-style: chr1-236739523-G-C. GRCh37 (hg19) VCF-style: chr1-236902823-G-C.
Other names: c.1098G>C (NM_001103.3, NM_001103.2); c.1098G>C, p.Lys366Asn (NM_001278343.2); c.474G>C, p.Lys158Asn (NM_001278344.2); short protein forms K366N, K158N.
Identifiers: ClinVar variation 1507632 (VCV001507632.10), dbSNP rs1243320734, ClinGen allele CA345380882.
Genomic context (GRCh38, chr1:236,739,523, plus strand): 5'-CACGCTGCAGACCAAGCTGCGGATCAGCAACCGTCCTGCCTTCATGCCCTCCGAGGGCAA[G>C]ATGGTGTCGGTGAGTAGCAAGCGCCAAGCCCTCCTGGCGCCACGGGAAGCCCTCCTTCTA-3'
Protein context (NP_001094.1, residues 356-376): NRPAFMPSEG[Lys366Asn]MVSDIAGAWQ